The following is an entry in ClinVar:

ClinVar aggregate classification (germline): Uncertain significance. Review status: criteria provided, multiple submitters, no conflicts (2 of 4 stars). 2 submissions from 2 submitters: Uncertain significance (2). Last evaluated 2024-01-11.

Conditions:
Wilson disease (WND). Also called: Wilson's disease. Identifiers: Orphanet 905, MedGen C0019202, MONDO:0010200, OMIM 277900. Disease mechanism: loss of function.

Allele frequency attached by ClinVar (database versions not stated): gnomAD exomes below 0.00001.
gnomAD v4.1: 5 of 1,614,230 alleles (0.00031%); highest among the groups gnomAD compares: Non-Finnish European, 0.00042%; no homozygotes.

Submissions (2):

All of Us Research Program, National Institutes of Health
Classification: Uncertain significance for Wilson disease. Last evaluated: 2024-01-11. Review status: criteria provided, single submitter. Criteria: ACMG Guidelines, 2015. Collection method: clinical testing. Allele origin: germline. Inheritance: Autosomal recessive inheritance. Observed: 3 variant alleles, 3 heterozygotes.
Comment: This missense variant replaces glutamine with glutamic acid at codon 4 of the ATP7B protein. Computational prediction suggests that this variant may not impact protein structure and function (internally defined REVEL score threshold <= 0.5, PMID: 27666373). To our knowledge, functional studies have not been reported for this variant. This variant has not been reported in individuals affected with ATP7B-related disorders in the literature. This variant has been identified in 1/249414 chromosomes in the general population by the Genome Aggregation Database (gnomAD). The available evidence is insufficient to determine the role of this variant in disease conclusively. Therefore, this variant is classified as a Variant of Uncertain Significance.

This study involves interpretation of variants in research participants for the purpose of population health screening. Participant phenotype was not available at the time of variant classification. Additional details can be found in publication PMID: 35346344, PMCID: PMC8962531

Labcorp Genetics (formerly Invitae), Labcorp
Classification: Uncertain significance for Wilson disease. Last evaluated: 2022-06-08. Review status: criteria provided, single submitter. Criteria: Invitae Variant Classification Sherloc (09022015). Collection method: clinical testing. Allele origin: germline.
Comment: This sequence change replaces glutamine, which is neutral and polar, with glutamic acid, which is acidic and polar, at codon 4 of the ATP7B protein (p.Gln4Glu). This variant is present in population databases (no rsID available, gnomAD 0.0009%). This variant has not been reported in the literature in individuals affected with ATP7B-related conditions. Advanced modeling of protein sequence and biophysical properties (such as structural, functional, and spatial information, amino acid conservation, physicochemical variation, residue mobility, and thermodynamic stability) performed at Invitae indicates that this missense variant is not expected to disrupt ATP7B protein function. In summary, the available evidence is currently insufficient to determine the role of this variant in disease. Therefore, it has been classified as a Variant of Uncertain Significance.

NM_000053.4(ATP7B):c.10C>G (p.Gln4Glu)

Gene: ATP7B (ATPase copper transporting beta; minus strand). Cytogenetic location: 13q14.3.
Variant type: single nucleotide variant.
Coding change: c.10C>G on transcript NM_000053.4 (MANE Select); coding-DNA position 10, C replaced by G.
Protein change: p.Gln4Glu; replaces glutamine 4 with glutamic acid.
Molecular consequence: missense variant.
Genome position (GRCh38, 1-based): chr13:52,011,328, G>C on the plus strand (C>G on the coding strand, the complement: ATP7B is on the minus strand). VCF-style: chr13-52011328-G-C. GRCh37 (hg19) VCF-style: chr13-52585464-G-C.
Other names: c.10C>G, p.Gln4Glu (NM_001005918.3, NM_001243182.2, NM_001330578.2 and 30 more transcripts); c.-178C>G (NM_001406518.1); c.-120C>G (NM_001406539.1, NM_001406543.1); short protein forms Q4E.
Identifiers: ClinVar variation 1961535 (VCV001961535.3), dbSNP rs1213833059, ClinGen allele CA388047706.
Genomic context (GRCh38, chr13:52,011,328, plus strand): 5'-GCGGGGGAACAAAACTCACTTTCCGACTGGCCCCTTCTCTGGCTGTGATCTGTCTCTCCT[G>C]CTCAGGCATCGTCCCGCACGGACACCGAATTCTTCTCTGATCTGGCTCAGAGCAAAAGGT-3'
Protein context (NP_000044.2, residues 1-14): MPE[Gln4Glu]ERQITAREGA